The following is an entry in ClinVar:

NM_001005242.3(PKP2):c.1379-2117T>C

Gene: PKP2 (plakophilin 2; minus strand). Cytogenetic location: 12p11.21.
Variant type: single nucleotide variant.
Coding change: c.1379-2117T>C on transcript NM_001005242.3 (MANE Select); 2117 bases into the intron before coding-DNA position 1379, T replaced by C.
Molecular consequence: intron variant.
Genome position (GRCh38, 1-based): chr12:32,843,322, A>G on the plus strand (T>C on the coding strand, the complement: PKP2 is on the minus strand). VCF-style: chr12-32843322-A-G. GRCh37 (hg19) VCF-style: chr12-32996256-A-G.
Other names: c.1379-2117T>C (NM_001407156.1, NM_001407155.1, NM_001407161.1); c.1379-9T>C (NM_004572.4, NM_001407157.1); c.1052-2117T>C (NM_001407160.1, NM_001407159.1, NM_001407158.1 and 1 more transcripts).
Identifiers: ClinVar variation 3072904 (VCV003072904.1), dbSNP rs1956617482, ClinGen allele CA946313106.

ClinVar aggregate classification (germline): Likely benign (1 of 4 stars; one submission).

Conditions:
Arrhythmogenic right ventricular cardiomyopathy (ARVD). Also called: Arrhythmogenic right ventricular dysplasia; Cardiomyopathy, ARVC; Arrhythmogenic cardiomyopathy; Arrhythmogenic Right Ventricular Cardiomyopathy (ARVC). Identifiers: Orphanet 247, MedGen C0349788, MeSH D019571, MONDO:0016587. Disease mechanism: loss of function. Inheritance: Various modes of inheritance.

Allele frequency attached by ClinVar (database versions not stated): gnomAD 0.00001.
gnomAD v4.1: 1 of 1,365,120 alleles (0.000073%); highest among the groups gnomAD compares: African/African-American, 0.0015%; no homozygotes.

Submission:

All of Us Research Program, National Institutes of Health
Classification: Likely benign for Arrhythmogenic right ventricular cardiomyopathy. Last evaluated: 2023-12-18. Review status: criteria provided, single submitter. Criteria: ACMG Guidelines, 2015. Collection method: clinical testing. Allele origin: germline. Inheritance: Autosomal dominant inheritance. Observed: 2 variant alleles, 2 heterozygotes.
Comment: This study involves interpretation of variants in research participants for the purpose of population health screening. Participant phenotype was not available at the time of variant classification. Additional details can be found in publication PMID: 35346344, PMCID: PMC8962531